The following is an entry in ClinVar:

ClinVar aggregate classification (germline): Benign (1 of 4 stars; one submission).

Allele frequency attached by ClinVar (database versions not stated): gnomAD 0.03791 and 0.04066; 1000 Genomes Project 0.03954; 1000 Genomes Project 30x 0.04169; TOPMed 0.04348.
gnomAD v4.1: 5,695 of 152,284 alleles (3.7%); highest among the groups gnomAD compares: African/African-American, 13%; 384 homozygotes.

Submission:

GeneDx
Classification: Benign. Last evaluated: 2018-06-16. Review status: criteria provided, single submitter. Criteria: GeneDx Variant Classification (06012015). Collection method: clinical testing. Allele origin: germline. Affected: yes.
Comment: This variant is considered likely benign or benign based on one or more of the following criteria: it is a conservative change, it occurs at a poorly conserved position in the protein, it is predicted to be benign by multiple in silico algorithms, and/or has population frequency not consistent with disease.

NM_001130987.2(DYSF):c.5318-225A>G

Gene: DYSF (dysferlin; plus strand). Cytogenetic location: 2p13.2.
Variant type: single nucleotide variant.
Coding change: c.5318-225A>G on transcript NM_001130987.2 (MANE Select); 225 bases into the intron before coding-DNA position 5318, A replaced by G.
Molecular consequence: intron variant.
Genome position (GRCh38, 1-based): chr2:71,667,151, A>G. VCF-style: chr2-71667151-A-G. GRCh37 (hg19) VCF-style: chr2-71894281-A-G.
Other names: c.5294-225A>G (NM_001130979.2); c.5315-225A>G (NM_001130981.2); c.5252-225A>G (NM_001130980.2); c.5264-225A>G (NM_001130978.2); c.5201-225A>G (NM_003494.4); c.5222-225A>G (NM_001130977.2); c.5159-225A>G (NM_001130976.2); c.5297-225A>G (NM_001130982.2); and 5 more.
Identifiers: ClinVar variation 677716 (VCV000677716.1), dbSNP rs57544779, ClinGen allele CA49768088.